The following is an entry in ClinVar:

ClinVar aggregate classification (germline): Likely benign (0 of 4 stars; one submission).

Conditions:
NRP1-related disorder. Also called: NRP1-related condition.

gnomAD v4.1: 1 of 1,612,870 alleles (0.000062%); highest among the groups gnomAD compares: Non-Finnish European, 0.000085%; no homozygotes.

Submission:

PreventionGenetics, part of Exact Sciences
Classification: Likely benign for NRP1-related condition. Last evaluated: 2024-08-20. Review status: no assertion criteria provided. Collection method: clinical testing. Allele origin: germline.
Comment: This variant is classified as likely benign based on ACMG/AMP sequence variant interpretation guidelines (Richards et al. 2015 PMID: 25741868, with internal and published modifications).

NM_003873.7(NRP1):c.2337G>C (p.Val779=)

Gene: NRP1 (neuropilin 1; minus strand). Cytogenetic location: 10p11.22.
Variant type: single nucleotide variant.
Coding change: c.2337G>C on transcript NM_003873.7 (MANE Select); coding-DNA position 2337, G replaced by C.
Protein change: p.Val779=; no amino-acid change (valine 779 retained).
Molecular consequence: synonymous variant. On other transcripts: non-coding transcript variant (1).
Genome position (GRCh38, 1-based): chr10:33,185,722, C>G on the plus strand (G>C on the coding strand, the complement: NRP1 is on the minus strand). VCF-style: chr10-33185722-C-G. GRCh37 (hg19) VCF-style: chr10-33474650-C-G.
Other names: c.2319G>C, p.Val773= (NM_001244972.2); c.2316G>C, p.Val772= (NM_001244973.2); c.2337G>C, p.Val779= (NM_001330068.2).
Identifiers: ClinVar variation 3346137 (VCV003346137.1).
Genomic context (GRCh38, chr10:33,185,722, plus strand): 5'-ACTAATGTCATCCACAGCAATCCCACCAAGGTTTCCTTTTCCGATTTCGCCCTCGAAAAT[C>G]ACCTAACAAAATAAGATCATTTTCACAGTATTGAAATGCTCATCTCACATGGCAGTGTTT-3'
Protein context (NP_003864.5, residues 769-789): LLHKSLKLYQ[Val779=]IFEGEIGKGN